The following is an entry in ClinVar:

NM_198904.4(GABRG2):c.1087C>T (p.Arg363Trp)

Gene: GABRG2 (gamma-aminobutyric acid type A receptor subunit gamma2; plus strand). Cytogenetic location: 5q34.
Variant type: single nucleotide variant.
Coding change: c.1087C>T on transcript NM_198904.4 (MANE Select); coding-DNA position 1087, C replaced by T.
Protein change: p.Arg363Trp; replaces arginine 363 with tryptophan.
Molecular consequence: missense variant. On other transcripts: intron variant (1).
Genome position (GRCh38, 1-based): chr5:162,149,272, C>T. VCF-style: chr5-162149272-C-T. GRCh37 (hg19) VCF-style: chr5-161576278-C-T.
Other names: p.R363W:CGG>TGG; c.1087C>T, p.Arg363Trp (NM_000816.3); c.1078C>T, p.Arg360Trp (NM_001375339.1); c.1084C>T, p.Arg362Trp (NM_001375341.1, NM_001375342.1); c.1207C>T, p.Arg403Trp (NM_001375343.1, NM_198903.2); c.1126C>T, p.Arg376Trp (NM_001375344.1); c.1021C>T, p.Arg341Trp (NM_001375345.1, NM_001375346.1); c.1000C>T, p.Arg334Trp (NM_001375347.1); and 3 more; short protein forms R363W, R403W, R223W, R268W, R334W, R341W, R360W, R362W.
Identifiers: ClinVar variation 205552 (VCV000205552.93), dbSNP rs374512652, ClinGen allele CA314741.

ClinVar aggregate classification (germline): Uncertain significance. Review status: criteria provided, multiple submitters, no conflicts (2 of 4 stars). 5 submissions from 5 submitters: Uncertain significance (5). Last evaluated 2024-09-25.

Conditions:
Inborn genetic diseases. Identifiers: MedGen C0950123, MeSH D030342.
EPILEPSY, CHILDHOOD ABSENCE, SUSCEPTIBILITY TO, 2 (ECA2). Identifiers: Orphanet 64280, MedGen C1843244, OMIM 607681.
Febrile seizures, familial, 8 (FEB8). Also called: CONVULSIONS, FAMILIAL FEBRILE, 8. Identifiers: Orphanet 36387, MedGen C1969810, MONDO:0011891, OMIM 607681.

Allele frequency attached by ClinVar (database versions not stated): ExAC 0.00002; TOPMed 0.00003; gnomAD 0.00004; gnomAD exomes 0.00004; ESP Exome Variant Server 0.00015.
gnomAD v4.1: 29 of 1,613,898 alleles (0.0018%); highest among the groups gnomAD compares: African/African-American, 0.0027%; no homozygotes.

Submissions (5):

Labcorp Genetics (formerly Invitae), Labcorp
Classification: Uncertain significance for Febrile seizures, familial, 8; EPILEPSY, CHILDHOOD ABSENCE, SUSCEPTIBILITY TO, 2. Last evaluated: 2024-09-25. Review status: criteria provided, single submitter. Criteria: Invitae Variant Classification Sherloc (09022015). Collection method: clinical testing. Allele origin: germline.
Comment: This sequence change replaces arginine, which is basic and polar, with tryptophan, which is neutral and slightly polar, at codon 363 of the GABRG2 protein (p.Arg363Trp). This variant is present in population databases (rs374512652, gnomAD 0.02%). This missense change has been observed in individual(s) with clinical features of developmental and epileptic encephalopathy (PMID: 32086284). ClinVar contains an entry for this variant (Variation ID: 205552). Invitae Evidence Modeling of protein sequence and biophysical properties (such as structural, functional, and spatial information, amino acid conservation, physicochemical variation, residue mobility, and thermodynamic stability) indicates that this missense variant is expected to disrupt GABRG2 protein function with a positive predictive value of 80%. In summary, the available evidence is currently insufficient to determine the role of this variant in disease. Therefore, it has been classified as a Variant of Uncertain Significance.

Revvity Omics, Revvity
Classification: Uncertain significance. Last evaluated: 2023-06-29. Review status: criteria provided, single submitter. Criteria: ACMG Guidelines, 2015. Collection method: clinical testing. Allele origin: germline.

CeGaT Center for Human Genetics Tuebingen
Classification: Uncertain significance. Last evaluated: 2019-08-01. Review status: criteria provided, single submitter. Criteria: CeGaT Center For Human Genetics Tuebingen Variant Classification Criteria Version 2. Collection method: clinical testing. Allele origin: germline. Affected: yes. Observed: 3 variant alleles.

GeneDx
Classification: Uncertain significance. Last evaluated: 2017-08-09. Review status: criteria provided, single submitter. Criteria: GeneDx Variant Classification (06012015). Collection method: clinical testing. Allele origin: germline. Affected: yes.
Comment: p.Arg363Trp (CGG>TGG):c.1087 C>T in exon 8 of the GABRG2 gene (NM_000816.3) The R363W variant has been reported previously in an unaffected control individual; however, additional information regarding the variant or the phenotype of the individual was not reported (Reinthaler et al., 2015). A different amino acid substitution at this position (R363Q) has been reported in an individual with generalized epilepsy with febrile seizures plus (GEFS+); however, additional clinical information was not provided, and parental studies were not performed (CantarÃ­n-Extremera et al. 2011). The R363W variant is observed in 2/10406 (0.2%) alleles from individuals of African background (Lek et al., 2016; 1000 Genomes Consortium et al., 2015; Exome Variant Server). The R363W variant is a non-conservative amino acid substitution, which is likely to impact secondary protein structure as these residues differ in polarity, charge, size and/or other properties. This substitution occurs at a position that is conserved in mammals, and in silico analysis predicts this variant is probably damaging to the protein structure/function. Therefore, based on the currently available information, it is unclear whether this variant is a pathogenic variant or a rare benign variant.

Ambry Genetics
Classification: Uncertain significance for Inborn genetic diseases. Last evaluated: 2017-05-23. Review status: criteria provided, single submitter. Criteria: Ambry Variant Classification Scheme 2023. Collection method: clinical testing. Allele origin: germline.
Comment: The p.R363W variant (also known as c.1087C>T), located in coding exon 8 of the GABRG2 gene, results from a C to T substitution at nucleotide position 1087. The arginine at codon 363 is replaced by tryptophan, an amino acid with dissimilar properties. This amino acid position is well conserved in available vertebrate species. In addition, the in silico prediction for this alteration is inconclusive. Since supporting evidence is limited at this time, the clinical significance of this alteration remains unclear.

Literature cited by the submitters: PubMed 32086284 (cited by Labcorp Genetics (formerly Invitae), Labcorp).